The following is an entry in ClinVar:

NM_001267550.2(TTN):c.103505C>A (p.Ala34502Asp)

Genes: TTN-AS1 (TTN antisense RNA 1; plus strand), TTN (titin; minus strand). Cytogenetic location: 2q31.2.
Variant type: single nucleotide variant.
Coding change: c.103505C>A on transcript NM_001267550.2 (MANE Select); coding-DNA position 103505, C replaced by A.
Protein change: p.Ala34502Asp; replaces alanine 34502 with aspartic acid.
Molecular consequence: missense variant.
Genome position (GRCh38, 1-based): chr2:178,533,110, G>T on the plus strand (C>A on the coding strand, the complement: TTN is on the minus strand). VCF-style: chr2-178533110-G-T. GRCh37 (hg19) VCF-style: chr2-179397837-G-T.
Other names: c.98582C>A, p.Ala32861Asp (NM_001256850.1); c.76310C>A, p.Ala25437Asp (NM_003319.4); c.95801C>A, p.Ala31934Asp (NM_133378.4); c.76685C>A, p.Ala25562Asp (NM_133432.3); c.76886C>A, p.Ala25629Asp (NM_133437.4); short protein forms A25437D, A31934D, A34502D, A25629D, A32861D, A25562D.
Identifiers: ClinVar variation 2116717 (VCV002116717.4), dbSNP rs1223855985, ClinGen allele CA349414132.

ClinVar aggregate classification (germline): Uncertain significance (1 of 4 stars; one submission).

Conditions:
Dilated cardiomyopathy 1G (CMD1G). Identifiers: Orphanet 154, MedGen C1858763, MONDO:0011400, OMIM 604145.
Autosomal recessive limb-girdle muscular dystrophy type 2J (LGMDR10). Also called: Limb-girdle muscular dystrophy, type 2J; MUSCULAR DYSTROPHY, LIMB-GIRDLE, AUTOSOMAL RECESSIVE 10. Identifiers: Orphanet 140922, MedGen C1837342, MONDO:0012127, OMIM 608807.

Submission:

Labcorp Genetics (formerly Invitae), Labcorp
Classification: Uncertain significance for Dilated cardiomyopathy 1G; Autosomal recessive limb-girdle muscular dystrophy type 2J. Last evaluated: 2022-03-25. Review status: criteria provided, single submitter. Criteria: Invitae Variant Classification Sherloc (09022015). Collection method: clinical testing. Allele origin: germline.
Comment: This sequence change replaces alanine, which is neutral and non-polar, with aspartic acid, which is acidic and polar, at codon 34502 of the TTN protein (p.Ala34502Asp). This variant is not present in population databases (gnomAD no frequency). This variant has not been reported in the literature in individuals affected with TTN-related conditions. Experimental studies and prediction algorithms are not available or were not evaluated, and the functional significance of this variant is currently unknown. In summary, the available evidence is currently insufficient to determine the role of this variant in disease. Therefore, it has been classified as a Variant of Uncertain Significance. This variant is located in the M band of TTN (PMID: 25589632). Variants in this region may be relevant for neuromuscular disorders, but have not been definitively shown to cause cardiomyopathy (PMID: 23975875).

Literature cited by the submitters: PubMed 25589632; PubMed 23975875.